The following is an entry in ClinVar:

ClinVar aggregate classification (germline): Conflicting classifications of pathogenicity. Review status: criteria provided, conflicting classifications (1 of 4 stars). 2 submissions from 2 submitters: Uncertain significance (1); Likely benign (1). Last evaluated 2023-06-10.

Conditions:
Inborn genetic diseases. Identifiers: MedGen C0950123, MeSH D030342.

Allele frequency attached by ClinVar (database versions not stated): TOPMed 0.00001; ExAC 0.00002.
gnomAD v4.1: 56 of 1,614,128 alleles (0.0035%); highest among the groups gnomAD compares: Admixed American, 0.0083%; no homozygotes.

Submissions (2):

Labcorp Genetics (formerly Invitae), Labcorp
Classification: Uncertain significance. Last evaluated: 2023-06-10. Review status: criteria provided, single submitter. Criteria: Invitae Variant Classification Sherloc (09022015). Collection method: clinical testing. Allele origin: germline.
Comment: In summary, the available evidence is currently insufficient to determine the role of this variant in disease. Therefore, it has been classified as a Variant of Uncertain Significance. Advanced modeling of protein sequence and biophysical properties (such as structural, functional, and spatial information, amino acid conservation, physicochemical variation, residue mobility, and thermodynamic stability) performed at Invitae indicates that this missense variant is not expected to disrupt ZBTB18 protein function. ClinVar contains an entry for this variant (Variation ID: 1931045). This variant has not been reported in the literature in individuals affected with ZBTB18-related conditions. This variant is present in population databases (rs749239319, gnomAD 0.01%). This sequence change replaces alanine, which is neutral and non-polar, with valine, which is neutral and non-polar, at codon 186 of the ZBTB18 protein (p.Ala186Val).

Ambry Genetics
Classification: Likely benign for Inborn genetic diseases. Last evaluated: 2022-10-06. Review status: criteria provided, single submitter. Criteria: Ambry Variant Classification Scheme 2023. Collection method: clinical testing. Allele origin: germline.

NM_205768.3(ZBTB18):c.557C>T (p.Ala186Val)

Gene: ZBTB18 (zinc finger and BTB domain containing 18; plus strand). Cytogenetic location: 1q44.
Variant type: single nucleotide variant.
Coding change: c.557C>T on transcript NM_205768.3 (MANE Select); coding-DNA position 557, C replaced by T.
Protein change: p.Ala186Val; replaces alanine 186 with valine.
Molecular consequence: missense variant.
Genome position (GRCh38, 1-based): chr1:244,054,331, C>T. VCF-style: chr1-244054331-C-T. GRCh37 (hg19) VCF-style: chr1-244217633-C-T.
Other names: c.530C>T, p.Ala177Val (NM_001278196.2, NM_006352.5); short protein forms A177V, A186V.
Identifiers: ClinVar variation 1931045 (VCV001931045.6), dbSNP rs749239319, ClinGen allele CA1484309.